The following is an entry in ClinVar:

ClinVar aggregate classification (germline): Uncertain significance. Review status: criteria provided, multiple submitters, no conflicts (2 of 4 stars). 3 submissions from 3 submitters: Uncertain significance (3). Last evaluated 2025-10-27.

Conditions:
CARD8-related disorder. Also called: CARD8-related condition.

Allele frequency attached by ClinVar (database versions not stated): TOPMed 0.00006; ExAC 0.00008; gnomAD exomes 0.00008.
gnomAD v4.1: 84 of 1,613,996 alleles (0.0052%); highest among the groups gnomAD compares: Admixed American, 0.033%; no homozygotes.

Submissions (3):

Labcorp Genetics (formerly Invitae), Labcorp
Classification: Uncertain significance. Last evaluated: 2025-10-27. Review status: criteria provided, single submitter. Criteria: Invitae Variant Classification Sherloc (09022015). Collection method: clinical testing. Allele origin: germline.
Comment: This sequence change replaces tyrosine, which is neutral and polar, with cysteine, which is neutral and slightly polar, at codon 238 of the CARD8 protein (p.Tyr238Cys). This variant is present in population databases (rs761116872, gnomAD 0.04%). This variant has not been reported in the literature in individuals affected with CARD8-related conditions. ClinVar contains an entry for this variant (Variation ID: 1357908). An algorithm developed to predict the effect of missense changes on protein structure and function outputs the following: PolyPhen-2: "Benign". The cysteine amino acid residue is found in multiple mammalian species, which suggests that this missense change does not adversely affect protein function. In summary, the available evidence is currently insufficient to determine the role of this variant in disease. Therefore, it has been classified as a Variant of Uncertain Significance.

Ambry Genetics
Classification: Uncertain significance. Last evaluated: 2024-03-26. Review status: criteria provided, single submitter. Criteria: Ambry Variant Classification Scheme 2023. Collection method: clinical testing. Allele origin: germline.

PreventionGenetics, part of Exact Sciences
Classification: Uncertain significance for CARD8-related condition. Last evaluated: 2023-05-31. Review status: criteria provided, single submitter. Criteria: ACMG Guidelines, 2015. Collection method: clinical testing. Allele origin: germline.
Comment: The CARD8 c.863A>G variant is predicted to result in the amino acid substitution p.Tyr288Cys. To our knowledge, this variant has not been reported in the literature. This variant is reported in 0.035% of alleles in individuals of Latino descent in gnomAD. At this time, the clinical significance of this variant is uncertain due to the absence of conclusive functional and genetic evidence.

NM_001184900.3(CARD8):c.863A>G (p.Tyr288Cys)

Gene: CARD8 (caspase recruitment domain family member 8; minus strand). Cytogenetic location: 19q13.33.
Variant type: single nucleotide variant.
Coding change: c.863A>G on transcript NM_001184900.3 (MANE Select); coding-DNA position 863, A replaced by G.
Protein change: p.Tyr288Cys; replaces tyrosine 288 with cysteine.
Molecular consequence: missense variant. On other transcripts: non-coding transcript variant (4).
Genome position (GRCh38, 1-based): chr19:48,230,610, T>C on the plus strand (A>G on the coding strand, the complement: CARD8 is on the minus strand). VCF-style: chr19-48230610-T-C. GRCh37 (hg19) VCF-style: chr19-48733867-T-C.
Other names: c.863A>G (NM_001184900.1); c.548A>G, p.Tyr183Cys (NM_001351792.2, NM_001351784.2, NM_001351787.2 and 1 more transcripts); c.545A>G, p.Tyr182Cys (NM_001365950.1); c.713A>G, p.Tyr238Cys (NM_014959.5, NM_001184901.1, NM_001351783.2 and 2 more transcripts); c.863A>G, p.Tyr288Cys (NM_001184902.2, NM_001184903.1, NM_001351782.2); c.527A>G, p.Tyr176Cys (NM_001351786.2); c.620A>G, p.Tyr207Cys (NM_001351790.2); short protein forms Y176C, Y182C, Y238C, Y183C, Y207C, Y288C.
Identifiers: ClinVar variation 1357908 (VCV001357908.7), dbSNP rs761116872, ClinGen allele CA9547883.